The following is an entry in ClinVar:

ClinVar aggregate classification (germline): Uncertain significance. Review status: criteria provided, multiple submitters, no conflicts (2 of 4 stars). 2 submissions from 2 submitters: Uncertain significance (2). Last evaluated 2022-09-07.

Conditions:
Candidiasis, familial, 8 (CANDF8). Identifiers: Orphanet 1334, MedGen C3714992, MONDO:0014230, OMIM 615527.

Allele frequency attached by ClinVar (database versions not stated): gnomAD below 0.00001 and 0.00003; gnomAD exomes 0.00002 and 0.00004; TOPMed 0.00002; ExAC 0.00006; 1000 Genomes Project 30x 0.00016; 1000 Genomes Project 0.00020.
gnomAD v4.1: 38 of 1,614,168 alleles (0.0024%); highest among the groups gnomAD compares: South Asian, 0.024%; no homozygotes.

Submissions (2):

Labcorp Genetics (formerly Invitae), Labcorp
Classification: Uncertain significance for Candidiasis, familial, 8. Last evaluated: 2022-09-07. Review status: criteria provided, single submitter. Criteria: Invitae Variant Classification Sherloc (09022015). Collection method: clinical testing. Allele origin: germline.
Comment: This sequence change replaces alanine, which is neutral and non-polar, with threonine, which is neutral and polar, at codon 473 of the TRAF3IP2 protein (p.Ala473Thr). This variant is present in population databases (rs111815306, gnomAD 0.03%). This variant has not been reported in the literature in individuals affected with TRAF3IP2-related conditions. ClinVar contains an entry for this variant (Variation ID: 1000396). Algorithms developed to predict the effect of missense changes on protein structure and function output the following: SIFT: "Tolerated"; PolyPhen-2: "Possibly Damaging"; Align-GVGD: "Class C0". The threonine amino acid residue is found in multiple mammalian species, which suggests that this missense change does not adversely affect protein function. In summary, the available evidence is currently insufficient to determine the role of this variant in disease. Therefore, it has been classified as a Variant of Uncertain Significance.

Ambry Genetics
Classification: Uncertain significance. Last evaluated: 2021-10-20. Review status: criteria provided, single submitter. Criteria: Ambry Variant Classification Scheme 2023. Collection method: clinical testing. Allele origin: germline.

NM_147686.4(TRAF3IP2):c.1417G>A (p.Ala473Thr)

Genes: TRAF3IP2 (TRAF3 interacting protein 2; minus strand), TRAF3IP2-AS1 (TRAF3IP2 antisense RNA 1; plus strand). Cytogenetic location: 6q21.
Variant type: single nucleotide variant.
Coding change: c.1417G>A on transcript NM_147686.4 (MANE Select); coding-DNA position 1417, G replaced by A.
Protein change: p.Ala473Thr; replaces alanine 473 with threonine.
Molecular consequence: missense variant.
Genome position (GRCh38, 1-based): chr6:111,566,503, C>T on the plus strand (G>A on the coding strand, the complement: TRAF3IP2 is on the minus strand). VCF-style: chr6-111566503-C-T. GRCh37 (hg19) VCF-style: chr6-111887706-C-T.
Other names: c.1417G>A (NM_147686.2); c.1414G>A, p.Ala472Thr (NM_001164281.3); c.49G>A, p.Ala17Thr (NM_001164283.3); c.1444G>A, p.Ala482Thr (NM_147200.3); short protein forms A17T, A472T, A473T, A482T.
Identifiers: ClinVar variation 1000396 (VCV001000396.7), dbSNP rs111815306, ClinGen allele CA3963086.